The following is an entry in ClinVar:

ClinVar aggregate classification (germline): Uncertain significance (1 of 4 stars; one submission).

Conditions:
Distal myopathy with posterior leg and anterior hand involvement. Also called: WILLIAMS DISTAL MYOPATHY. Identifiers: Orphanet 63273, MedGen C3279722, MONDO:0013550, OMIM 614065.
Myofibrillar myopathy 5. Also called: Filaminopathy (type); FILAMINOPATHY, AUTOSOMAL DOMINANT. Identifiers: Orphanet 171445, MedGen C1836050, MONDO:0012289, OMIM 609524.
Hypertrophic cardiomyopathy 26. Also called: Cardiomyopathy, familial hypertrophic, 26. Identifiers: Orphanet 75249, MedGen C4310749, MONDO:0014883, OMIM 617047.

Submission:

Labcorp Genetics (formerly Invitae), Labcorp
Classification: Uncertain significance for Distal myopathy with posterior leg and anterior hand involvement; Myofibrillar myopathy 5; Hypertrophic cardiomyopathy 26. Last evaluated: 2017-07-29. Review status: criteria provided, single submitter. Criteria: Invitae Variant Classification Sherloc (09022015). Collection method: clinical testing. Allele origin: germline.
Comment: In summary, the available evidence is currently insufficient to determine the role of this variant in disease. Therefore, it has been classified as a Variant of Uncertain Significance. Nucleotide substitutions within the consensus splice site are a relatively common cause of aberrant splicing (PMID: 17576681, 9536098). Algorithms developed to predict the effect of sequence changes on RNA splicing suggest that this variant is not likely to affect RNA splicing, but this prediction has not been confirmed by published transcriptional studies. This variant has not been reported in the literature in individuals with FLNC-related disease. This variant is not present in population databases (ExAC no frequency). This sequence change falls in intron 37 of the FLNC gene. It does not directly change the encoded amino acid sequence of the FLNC protein, but it affects a nucleotide within the consensus splice site of the intron.

Literature cited by the submitters: PubMed 17576681; PubMed 9536098.

NM_001458.5(FLNC):c.6208+4C>T

Genes: FLNC (filamin C; plus strand), FLNC-AS1 (FLNC antisense RNA 1; minus strand). Cytogenetic location: 7q32.1.
Variant type: single nucleotide variant.
Coding change: c.6208+4C>T on transcript NM_001458.5 (MANE Select); 4 bases into the intron after coding-DNA position 6208, C replaced by T.
Molecular consequence: intron variant.
Genome position (GRCh38, 1-based): chr7:128,853,035, C>T. VCF-style: chr7-128853035-C-T. GRCh37 (hg19) VCF-style: chr7-128493089-C-T.
Other names: c.6109+4C>T (NM_001127487.2).
Identifiers: ClinVar variation 472129 (VCV000472129.9), dbSNP rs1554401011, ClinGen allele CA658657724.